The following is an entry in ClinVar:

ClinVar aggregate classification (germline): Uncertain significance (1 of 4 stars; one submission).

Conditions:
Intellectual developmental disorder, autosomal dominant 44, with microcephaly. Also called: Micrognathia-recurrent infections-behavioral abnormalities-mild intellectual disability syndrome; TRIO-Related Intellectual Disability. Identifiers: Orphanet 476126, MedGen C4310740, MONDO:0014892, OMIM 617061.

Allele frequency attached by ClinVar (database versions not stated): gnomAD exomes 0.00001; TOPMed below 0.00001.
gnomAD v4.1: 14 of 1,527,366 alleles (0.00092%); highest among the groups gnomAD compares: Non-Finnish European, 0.0012%; no homozygotes.

Submission:

Baylor Genetics
Classification: Uncertain significance for Intellectual developmental disorder, autosomal dominant 44, with microcephaly. Last evaluated: 2020-05-07. Review status: criteria provided, single submitter. Criteria: ACMG Guidelines, 2015. Collection method: clinical testing. Allele origin: unknown. Affected: yes.
Comment: This variant was determined to be of uncertain significance according to ACMG Guidelines, 2015 [PMID:25741868].

NM_007118.4(TRIO):c.7222C>G (p.Pro2408Ala)

Gene: TRIO (trio Rho guanine nucleotide exchange factor; plus strand). Cytogenetic location: 5p15.2.
Variant type: single nucleotide variant.
Coding change: c.7222C>G on transcript NM_007118.4 (MANE Select); coding-DNA position 7222, C replaced by G.
Protein change: p.Pro2408Ala; replaces proline 2408 with alanine.
Molecular consequence: missense variant.
Genome position (GRCh38, 1-based): chr5:14,487,850, C>G. VCF-style: chr5-14487850-C-G. GRCh37 (hg19) VCF-style: chr5-14487959-C-G.
Other names: short protein forms P2408A.
Identifiers: ClinVar variation 1031145 (VCV001031145.1), dbSNP rs868112751, ClinGen allele CA359237042.
Genomic context (GRCh38, chr5:14,487,850, plus strand): 5'-AGCGCGCCCAGCAGGCGGCCCCCCGGCGCGGACGCCGAGGGGTCCGAGCGAGAAGCGGAG[C>G]CGATCCCCAAGATGAAGGTGCTGGAGAGCCCCAGGAAAGGCGCCGCGAACGCCTCGGGGT-3'
Protein context (NP_009049.2, residues 2398-2418): DAEGSEREAE[Pro2408Ala]IPKMKVLESP